The following is an entry in ClinVar:

ClinVar aggregate classification (germline): Likely pathogenic. Review status: criteria provided, single submitter (1 of 4 stars). 2 submissions from 2 submitters: Likely pathogenic (1). 1 of the submissions does not count toward it. Last evaluated 2022-09-29.

Conditions:
Deafness, X-linked 5 (DFNX5). Also called: DEAFNESS, X-LINKED 5, WITH PERIPHERAL NEUROPATHY; AUDITORY NEUROPATHY, X-LINKED, 1, WITH PERIPHERAL SENSORY NEUROPATHY. Identifiers: Orphanet 139583, MedGen C1845095, OMIM 300614.

Submissions (2):

GeneDx
Classification: Likely pathogenic. Last evaluated: 2022-09-29. Review status: criteria provided, single submitter. Criteria: GeneDx Variant Classification Process June 2021. Collection method: clinical testing. Allele origin: germline. Affected: yes.
Comment: Not observed at significant frequency in large population cohorts (gnomAD); In silico analysis supports that this missense variant has a deleterious effect on protein structure/function; This variant is associated with the following publications: (PMID: 33715390, 33035389, 34356047, 25986071, 28967629, 32684920, 28888069, 35994922, 28299359, 29605508)

OMIM
Classification: Pathogenic for DEAFNESS, X-LINKED 5. Last evaluated: 2015-08-01. Review status: no assertion criteria provided. Collection method: literature only. Allele origin: germline. Not counted in ClinVar's aggregate classification.

Literature cited by the submitters: PubMed 16816020 (cited by OMIM); PubMed 25986071 (cited by OMIM).

NM_004208.4(AIFM1):c.1352G>A (p.Arg451Gln)

Genes: AIFM1 (apoptosis inducing factor mitochondria associated 1; minus strand), RAB33A (RAB33A, member RAS oncogene family; plus strand). Cytogenetic location: Xq26.1.
Variant type: single nucleotide variant.
Coding change: c.1352G>A on transcript NM_004208.4 (MANE Select); coding-DNA position 1352, G replaced by A.
Protein change: p.Arg451Gln; replaces arginine 451 with glutamine.
Molecular consequence: missense variant. On other transcripts: 3 prime UTR variant (1), non-coding transcript variant (1).
Genome position (GRCh38, 1-based): chrX:130,133,409, C>T on the plus strand (G>A on the coding strand, the complement: AIFM1 is on the minus strand). VCF-style: chrX-130133409-C-T. GRCh37 (hg19) VCF-style: chrX-129267384-C-T.
Other names: c.335G>A, p.Arg112Gln (NM_001130846.4); c.*580G>A (NM_001130847.4); c.1340G>A, p.Arg447Gln (NM_145812.3); short protein forms R451Q, R447Q, R112Q.
Identifiers: ClinVar variation 218108 (VCV000218108.5), dbSNP rs863225431, ClinGen allele CA279885.
Genomic context (GRCh38, chrX:130,133,409, plus strand): 5'-CCAGTCATATTTTCTCCAGCCAATCTTCCACTCACAACAGCGTGATCATGGTGCTCTACC[C>T]GCCTCCTTCCCAACTTTATATCGTAGAAGCATGCAGCATCTCCTGCCTGTGGAAACAAAT-3'
Protein context (NP_004199.1, residues 441-461): CFYDIKLGRR[Arg451Gln]VEHHDHAVVS